The following is an entry in ClinVar:

ClinVar aggregate classification (germline): Uncertain significance (1 of 4 stars; one submission).

gnomAD v4.1: 4 of 1,612,946 alleles (0.00025%); highest among the groups gnomAD compares: African/African-American, 0.0013%; no homozygotes.

Submission:

Labcorp Genetics (formerly Invitae), Labcorp
Classification: Uncertain significance. Last evaluated: 2022-05-06. Review status: criteria provided, single submitter. Criteria: Invitae Variant Classification Sherloc (09022015). Collection method: clinical testing. Allele origin: germline.
Comment: This sequence change replaces arginine, which is basic and polar, with tryptophan, which is neutral and slightly polar, at codon 614 of the PLA2G4A protein (p.Arg614Trp). This variant is not present in population databases (gnomAD no frequency). This variant has not been reported in the literature in individuals affected with PLA2G4A-related conditions. Algorithms developed to predict the effect of missense changes on protein structure and function (SIFT, PolyPhen-2, Align-GVGD) all suggest that this variant is likely to be disruptive. In summary, the available evidence is currently insufficient to determine the role of this variant in disease. Therefore, it has been classified as a Variant of Uncertain Significance.

NM_024420.3(PLA2G4A):c.1840C>T (p.Arg614Trp)

Gene: PLA2G4A (phospholipase A2 group IVA; plus strand). Cytogenetic location: 1q31.1.
Variant type: single nucleotide variant.
Coding change: c.1840C>T on transcript NM_024420.3 (MANE Select); coding-DNA position 1840, C replaced by T.
Protein change: p.Arg614Trp; replaces arginine 614 with tryptophan.
Molecular consequence: missense variant.
Genome position (GRCh38, 1-based): chr1:186,977,668, C>T. VCF-style: chr1-186977668-C-T. GRCh37 (hg19) VCF-style: chr1-186946800-C-T.
Other names: c.1660C>T, p.Arg554Trp (NM_001311193.2); short protein forms R554W, R614W.
Identifiers: ClinVar variation 1926059 (VCV001926059.2), dbSNP rs1349196228, ClinGen allele CA343944492.